The following is an entry in ClinVar:

ClinVar aggregate classification (germline): Benign/Likely benign. Review status: criteria provided, multiple submitters, no conflicts (2 of 4 stars). 3 submissions from 3 submitters: Benign (1); Likely benign (2). Last evaluated 2025-03-24.

Conditions:
Hereditary cancer-predisposing syndrome. Also called: Hereditary Cancer Syndrome; Neoplastic Syndromes, Hereditary; Hereditary neoplastic syndrome; Tumor predisposition. Identifiers: Orphanet 140162, MedGen C0027672, MeSH D009386, MONDO:0015356.
Familial thoracic aortic aneurysm and aortic dissection (TAAD). Also called: Thoracic aortic aneurysms and dissections. Identifiers: Orphanet 91387, MedGen C4707243, MONDO:0019625.
Juvenile polyposis syndrome (JPS). Identifiers: Orphanet 2929, MedGen C0345893, MONDO:0017380, OMIM 174900.
Juvenile polyposis/hereditary hemorrhagic telangiectasia syndrome (JPHT). Also called: JP/HHT SYNDROME; JUVENILE POLYPOSIS WITH HEREDITARY HEMORRHAGIC TELANGIECTASIA; POLYPOSIS, GENERALIZED JUVENILE, WITH PULMONARY ARTERIOVENOUS MALFORMATION; TELANGIECTASIA, HEREDITARY HEMORRHAGIC, WITH JUVENILE POLYPOSIS COLI; Juvenile Polyposis Syndrome / Hereditary Hemorrhagic Telangiectasia (JPS/HHT). Identifiers: Orphanet 2929, MedGen C1832942, MONDO:0008278, OMIM 175050.

Submissions (3):

Myriad Genetics, Inc.
Classification: Benign for Juvenile polyposis/hereditary hemorrhagic telangiectasia syndrome. Last evaluated: 2025-03-24. Review status: criteria provided, single submitter. Criteria: Myriad Autosomal Dominant, Autosomal Recessive and X-Linked Classification Criteria (2023). Collection method: clinical testing. Allele origin: unknown.
Comment: This variant is considered benign. This variant is a silent/synonymous amino acid change and it is not expected to impact splicing.

Ambry Genetics
Classification: Likely benign for Hereditary cancer-predisposing syndrome; Familial thoracic aortic aneurysm and aortic dissection. Last evaluated: 2024-09-01. Review status: criteria provided, single submitter. Criteria: Ambry Variant Classification Scheme 2023. Collection method: clinical testing. Allele origin: germline.

Labcorp Genetics (formerly Invitae), Labcorp
Classification: Likely benign for Juvenile polyposis syndrome. Last evaluated: 2019-07-25. Review status: criteria provided, single submitter. Criteria: Invitae Variant Classification Sherloc (09022015). Collection method: clinical testing. Allele origin: germline.

NM_005359.6(SMAD4):c.1455A>C (p.Ser485=)

Gene: SMAD4 (SMAD family member 4; plus strand). Cytogenetic location: 18q21.2.
Variant type: single nucleotide variant.
Coding change: c.1455A>C on transcript NM_005359.6 (MANE Select); coding-DNA position 1455, A replaced by C.
Protein change: p.Ser485=; no amino-acid change (serine 485 retained).
Molecular consequence: synonymous variant.
Genome position (GRCh38, 1-based): chr18:51,078,263, A>C. VCF-style: chr18-51078263-A-C. GRCh37 (hg19) VCF-style: chr18-48604633-A-C.
Other names: c.1455A>C (NM_005359.5).
Identifiers: ClinVar variation 1112558 (VCV001112558.11), dbSNP rs2144477974, ClinGen allele CA503873954.